The following is an entry in ClinVar:

ClinVar aggregate classification (germline): Pathogenic/Likely pathogenic. Review status: criteria provided, multiple submitters, no conflicts (2 of 4 stars). 2 submissions from 2 submitters: Pathogenic (1); Likely pathogenic (1). Last evaluated 2025-02-28.

Conditions:
Cardiovascular phenotype. Identifiers: MedGen CN230736.
Cardiomyopathy, familial hypertrophic 27. Identifiers: MedGen C4748014, MONDO:0054838, OMIM 618052.

Submissions (2):

Ambry Genetics
Classification: Pathogenic for Cardiovascular phenotype. Last evaluated: 2025-02-28. Review status: criteria provided, single submitter. Criteria: Ambry Variant Classification Scheme 2023. Collection method: clinical testing. Allele origin: germline.
Comment: The c.715delC pathogenic mutation, located in coding exon 1 of the ALPK3 gene, results from a deletion of one nucleotide at nucleotide position 715, causing a translational frameshift with a predicted alternate stop codon (p.R239Gfs*72). This variant is considered to be rare based on population cohorts in the Genome Aggregation Database (gnomAD). This alteration is expected to result in loss of function by premature protein truncation or nonsense-mediated mRNA decay. As such, this alteration is interpreted as a disease-causing mutation.

Juno Genomics, Hangzhou Juno Genomics, Inc
Classification: Likely pathogenic for Cardiomyopathy, familial hypertrophic 27. Review status: criteria provided, single submitter. Criteria: ACMG Guidelines, 2015. Collection method: clinical testing. Allele origin: germline.
Comment: Absent from controls (or at extremely low frequency if recessive) in Genome Aggregation Database.;Null variant in a gene where loss of function (LOF) is a known mechanism of disease.

NM_020778.5(ALPK3):c.109del (p.Arg37fs)

Gene: ALPK3 (alpha kinase 3; plus strand). Cytogenetic location: 15q25.3.
Variant type: Deletion.
Coding change: c.109del on transcript NM_020778.5 (MANE Select); coding-DNA position 109, one base deleted (C; older notation c.109delC).
Protein change: p.Arg37fs; shifts the reading frame from arginine 37.
Molecular consequence: frameshift variant.
Genome position (GRCh38, 1-based): chr15:84,817,561, C deleted; the last of 2 consecutive C bases (chr15:84,817,560-84,817,561); deleting either gives the same sequence. VCF-style (leftmost placement, unchanged base first): chr15-84817559-GC-G. GRCh37 (hg19) VCF-style: chr15-85360790-GC-G.
Other names: c.715delC (NM_020778.4); short protein forms R37fs.
Identifiers: ClinVar variation 3764698 (VCV003764698.4).